The following is an entry in ClinVar:

ClinVar aggregate classification (germline): Uncertain significance. Review status: criteria provided, multiple submitters, no conflicts (2 of 4 stars). 3 submissions from 3 submitters: Uncertain significance (2). 1 of the submissions does not count toward it. Last evaluated 2024-01-02.

Conditions:
COL18A1-related disorder. Also called: COL18A1-related disorders; COL18A1-related condition.

Allele frequency attached by ClinVar (database versions not stated): gnomAD 0.00001; gnomAD exomes 0.00002; TOPMed 0.00002.
gnomAD v4.1: 26 of 1,600,080 alleles (0.0016%); highest among the groups gnomAD compares: South Asian, 0.009%; no homozygotes.

Submissions (3):

Labcorp Genetics (formerly Invitae), Labcorp
Classification: Uncertain significance. Last evaluated: 2024-01-02. Review status: criteria provided, single submitter. Criteria: Invitae Variant Classification Sherloc (09022015). Collection method: clinical testing. Allele origin: germline.
Comment: This sequence change replaces arginine, which is basic and polar, with histidine, which is basic and polar, at codon 1206 of the COL18A1 protein (p.Arg1206His). The frequency data for this variant in the population databases is considered unreliable, as metrics indicate poor data quality at this position in the gnomAD database. This variant has not been reported in the literature in individuals affected with COL18A1-related conditions. ClinVar contains an entry for this variant (Variation ID: 1478719). Experimental studies and prediction algorithms are not available or were not evaluated, and the functional significance of this variant is currently unknown. In summary, the available evidence is currently insufficient to determine the role of this variant in disease. Therefore, it has been classified as a Variant of Uncertain Significance.

Blueprint Genetics
Classification: Uncertain significance. Last evaluated: 2022-10-25. Review status: criteria provided, single submitter. Criteria: ACMG Guidelines, 2015. Collection method: clinical testing. Allele origin: germline.

PreventionGenetics, part of Exact Sciences
Classification: Uncertain significance for COL18A1-related condition. Last evaluated: 2024-04-09. Review status: no assertion criteria provided. Collection method: clinical testing. Allele origin: germline. Not counted in ClinVar's aggregate classification.
Comment: The COL18A1 c.4157G>A variant is predicted to result in the amino acid substitution p.Arg1386His. To our knowledge, this variant has not been reported in the literature. This variant is reported in 0.014% of alleles in individuals of South Asian descent in gnomAD. At this time, the clinical significance of this variant is uncertain due to the absence of conclusive functional and genetic evidence.

NM_001379500.1(COL18A1):c.3626G>A (p.Arg1209His)

Genes: COL18A1 (collagen type XVIII alpha 1 chain; plus strand), SLC19A1 (solute carrier family 19 member 1; minus strand). Cytogenetic location: 21q22.3.
Variant type: single nucleotide variant.
Coding change: c.3626G>A on transcript NM_001379500.1 (MANE Select); coding-DNA position 3626, G replaced by A.
Protein change: p.Arg1209His; replaces arginine 1209 with histidine.
Molecular consequence: missense variant.
Genome position (GRCh38, 1-based): chr21:45,510,194, G>A. VCF-style: chr21-45510194-G-A. GRCh37 (hg19) VCF-style: chr21-46930108-G-A.
Other names: c.4157G>A, p.Arg1386His (NM_030582.4); c.4862G>A, p.Arg1621His (NM_130444.3); c.4157G>A (NM_030582.3); short protein forms R1209H, R1621H, R1386H.
Identifiers: ClinVar variation 1478719 (VCV001478719.6), dbSNP rs767059379, ClinGen allele CA10067981.
Genomic context (GRCh38, chr21:45,510,194, plus strand): 5'-GCTTCCAGCAGGCGCGGGCCGTGGGGCTGGCGGGCACCTTCCGCGCCTTCCTGTCCTCGC[G>A]CCTGCAGGACCTGTACAGCATCGTGCGCCGTGCCGACCGCGCAGCCGTGCCCATCGTCAA-3'
Protein context (NP_001366429.1, residues 1199-1219): AGTFRAFLSS[Arg1209His]LQDLYSIVRR